The following is an entry in ClinVar:

ClinVar aggregate classification (germline): Uncertain significance (1 of 4 stars; one submission).

Conditions:
EGFR-related lung cancer (EGFR). Identifiers: MedGen CN130014.

gnomAD v4.1: 1 of 1,614,238 alleles (0.000062%); highest among the groups gnomAD compares: Non-Finnish European, 0.000085%; no homozygotes.

Submission:

Labcorp Genetics (formerly Invitae), Labcorp
Classification: Uncertain significance for EGFR-related lung cancer. Last evaluated: 2025-02-23. Review status: criteria provided, single submitter. Criteria: Invitae Variant Classification Sherloc (09022015). Collection method: clinical testing. Allele origin: germline.
Comment: This sequence change replaces lysine, which is basic and polar, with arginine, which is basic and polar, at codon 37 of the EGFR protein (p.Lys37Arg). This variant is not present in population databases (gnomAD no frequency). This variant has not been reported in the literature in individuals affected with EGFR-related conditions. An algorithm developed to predict the effect of missense changes on protein structure and function outputs the following: PolyPhen-2: "Benign". The arginine amino acid residue is found in multiple mammalian species, which suggests that this missense change does not adversely affect protein function. Experimental studies have shown that this missense change affects EGFR function (PMID: 26244656). In summary, the available evidence is currently insufficient to determine the role of this variant in disease. Therefore, it has been classified as a Variant of Uncertain Significance.

Literature cited by the submitters: PubMed 26244656.

NM_005228.5(EGFR):c.110A>G (p.Lys37Arg)

Gene: EGFR (epidermal growth factor receptor; plus strand). Cytogenetic location: 7p11.2.
Variant type: single nucleotide variant.
Coding change: c.110A>G on transcript NM_005228.5 (MANE Select); coding-DNA position 110, A replaced by G.
Protein change: p.Lys37Arg; replaces lysine 37 with arginine.
Molecular consequence: missense variant. On other transcripts: 5 prime UTR variant (1), intron variant (1).
Genome position (GRCh38, 1-based): chr7:55,142,307, A>G. VCF-style: chr7-55142307-A-G. GRCh37 (hg19) VCF-style: chr7-55210000-A-G.
Other names: c.110A>G, p.Lys37Arg (NM_001346897.2, NM_001346898.2, NM_001346899.2 and 3 more transcripts); c.-50A>G (NM_001346900.2); c.89-13523A>G (NM_001346941.2); short protein forms K37R.
Identifiers: ClinVar variation 4696580 (VCV004696580.1).